The following is an entry in ClinVar:

ClinVar aggregate classification (germline): Uncertain significance. Review status: criteria provided, multiple submitters, no conflicts (2 of 4 stars). 2 submissions from 2 submitters: Uncertain significance (2). Last evaluated 2025-03-26.

Conditions:
Inborn genetic diseases. Identifiers: MedGen C0950123, MeSH D030342.
PROK2-related disorder. Also called: PROK2-related condition.

gnomAD v4.1: 28 of 1,612,294 alleles (0.0017%); highest among the groups gnomAD compares: African/African-American, 0.004%; no homozygotes.

Submissions (2):

PreventionGenetics, part of Exact Sciences
Classification: Uncertain significance for PROK2-related condition. Last evaluated: 2025-03-26. Review status: criteria provided, single submitter. Criteria: ACMG Guidelines, 2015. Collection method: clinical testing. Allele origin: germline.
Comment: The PROK2 c.142G>A variant is predicted to result in the amino acid substitution p.Val48Ile. To our knowledge, this variant has not been reported in the literature. This variant is reported in 0.0040% of alleles in individuals of African descent in gnomAD. At this time, the clinical significance of this variant is uncertain due to the absence of conclusive functional and genetic evidence.

Ambry Genetics
Classification: Uncertain significance for Inborn genetic diseases. Last evaluated: 2024-05-07. Review status: criteria provided, single submitter. Criteria: Ambry Variant Classification Scheme 2023. Collection method: clinical testing. Allele origin: germline.

NM_001126128.2(PROK2):c.142G>A (p.Val48Ile)

Gene: PROK2 (prokineticin 2; minus strand). Cytogenetic location: 3p13.
Variant type: single nucleotide variant.
Coding change: c.142G>A on transcript NM_001126128.2 (MANE Select); coding-DNA position 142, G replaced by A.
Protein change: p.Val48Ile; replaces valine 48 with isoleucine.
Molecular consequence: missense variant.
Genome position (GRCh38, 1-based): chr3:71,781,547, C>T on the plus strand (G>A on the coding strand, the complement: PROK2 is on the minus strand). VCF-style: chr3-71781547-C-T. GRCh37 (hg19) VCF-style: chr3-71830698-C-T.
Other names: c.142G>A, p.Val48Ile (NM_021935.4); short protein forms V48I.
Identifiers: ClinVar variation 3310293 (VCV003310293.3).